The following is an entry in ClinVar:

NM_000552.5(VWF):c.1393G>C (p.Ala465Pro)

Gene: VWF (von Willebrand factor; minus strand). Cytogenetic location: 12p13.31.
Variant type: single nucleotide variant.
Coding change: c.1393G>C on transcript NM_000552.5 (MANE Select); coding-DNA position 1393, G replaced by C.
Protein change: p.Ala465Pro; replaces alanine 465 with proline.
Molecular consequence: missense variant.
Genome position (GRCh38, 1-based): chr12:6,064,285, C>G on the plus strand (G>C on the coding strand, the complement: VWF is on the minus strand). VCF-style: chr12-6064285-C-G. GRCh37 (hg19) VCF-style: chr12-6173451-C-G.
Other names: c.1393G>C (NM_000552.4); short protein forms A465P.
Identifiers: ClinVar variation 3980504 (VCV003980504.2).
Genomic context (GRCh38, chr12:6,064,285, plus strand): 5'-ATGGAGCAGGACGAAGCATACCTTTCAGGAGGGGGAGCTGGACGTCCTGGCCATCCATGG[C>G]AACTCCTGCCCCATGCTTCAGTTTCACAAGGCTGTTGTGCAGGCCAGGCAGCCGGACGGT-3'
Protein context (NP_000543.3, residues 455-475): LVKLKHGAGV[Ala465Pro]MDGQDVQLPL

ClinVar aggregate classification (germline): Uncertain significance. Review status: criteria provided, multiple submitters, no conflicts (2 of 4 stars). 2 submissions from 2 submitters: Uncertain significance (2). Last evaluated 2025-05-03.

Conditions:
Inborn genetic diseases. Identifiers: MedGen C0950123, MeSH D030342.

Submissions (2):

Ambry Genetics
Classification: Uncertain significance for Inborn genetic diseases. Last evaluated: 2025-05-03. Review status: criteria provided, single submitter. Criteria: Ambry Variant Classification Scheme 2023. Collection method: clinical testing. Allele origin: germline.

Quest Diagnostics Nichols Institute San Juan Capistrano
Classification: Uncertain significance. Last evaluated: 2025-04-11. Review status: criteria provided, single submitter. Criteria: Quest Diagnostics criteria. Collection method: clinical testing. Allele origin: unknown.
Comment: The VWF c.1393G>C (p.Ala465Pro) variant has not been reported in individuals with VWF-related conditions in the published literature. It also has not been reported in large, multi-ethnic general populations (Genome Aggregation Database). Analysis of this variant using bioinformatics tools for the prediction of the effect of amino acid changes on protein structure and function yielded conflicting predictions that this variant is benign or damaging. Based on the available information, we are unable to determine the clinical significance of this variant.